The following is an entry in ClinVar:

ClinVar aggregate classification (germline): Uncertain significance. Review status: criteria provided, multiple submitters, no conflicts (2 of 4 stars). 2 submissions from 2 submitters: Uncertain significance (2). Last evaluated 2025-01-09.

Conditions:
Inborn genetic diseases. Identifiers: MedGen C0950123, MeSH D030342.

Allele frequency attached by ClinVar (database versions not stated): gnomAD 0.00001.
gnomAD v4.1: 2 of 1,609,812 alleles (0.00012%); highest among the groups gnomAD compares: Non-Finnish European, 0.00017%; no homozygotes.

Submissions (2):

Ambry Genetics
Classification: Uncertain significance for Inborn genetic diseases. Last evaluated: 2025-01-09. Review status: criteria provided, single submitter. Criteria: Ambry Variant Classification Scheme 2023. Collection method: clinical testing. Allele origin: germline.

Labcorp Genetics (formerly Invitae), Labcorp
Classification: Uncertain significance. Last evaluated: 2021-08-31. Review status: criteria provided, single submitter. Criteria: Invitae Variant Classification Sherloc (09022015). Collection method: clinical testing. Allele origin: germline.
Comment: This sequence change replaces glutamic acid with aspartic acid at codon 2718 of the ADGRV1 protein (p.Glu2718Asp). The glutamic acid residue is highly conserved and there is a small physicochemical difference between glutamic acid and aspartic acid. This variant is not present in population databases (ExAC no frequency). This variant has not been reported in the literature in individuals affected with ADGRV1-related conditions. Algorithms developed to predict the effect of missense changes on protein structure and function are either unavailable or do not agree on the potential impact of this missense change (SIFT: "Deleterious"; PolyPhen-2: "Possibly Damaging"; Align-GVGD: "Class C0"). In summary, the available evidence is currently insufficient to determine the role of this variant in disease. Therefore, it has been classified as a Variant of Uncertain Significance.

NM_032119.4(ADGRV1):c.8154A>C (p.Glu2718Asp)

Gene: ADGRV1 (adhesion G protein-coupled receptor V1; plus strand). Cytogenetic location: 5q14.3.
Variant type: single nucleotide variant.
Coding change: c.8154A>C on transcript NM_032119.4 (MANE Select); coding-DNA position 8154, A replaced by C.
Protein change: p.Glu2718Asp; replaces glutamic acid 2718 with aspartic acid.
Molecular consequence: missense variant. On other transcripts: non-coding transcript variant (1).
Genome position (GRCh38, 1-based): chr5:90,697,145, A>C. VCF-style: chr5-90697145-A-C. GRCh37 (hg19) VCF-style: chr5-89992962-A-C.
Other names: c.8154A>C (NM_032119.3); short protein forms E2718D.
Identifiers: ClinVar variation 1043224 (VCV001043224.7), dbSNP rs1466124361, ClinGen allele CA360386843.